The following is an entry in ClinVar:

ClinVar aggregate classification (germline): Uncertain significance. Review status: criteria provided, multiple submitters, no conflicts (2 of 4 stars). 3 submissions from 3 submitters: Uncertain significance (2). 1 of the submissions does not count toward it. Last evaluated 2024-03-01.

Conditions:
Inborn genetic diseases. Identifiers: MedGen C0950123, MeSH D030342.
Usher syndrome type 1B (USH1B). Also called: Usher syndrome type IB. Identifiers: MedGen C1848638, MONDO:0700087.

gnomAD v4.1: 2 of 1,614,000 alleles (0.00012%); highest among the groups gnomAD compares: Non-Finnish European, 0.00017%; no homozygotes.

Submissions (3):

Ambry Genetics
Classification: Uncertain significance for Inborn genetic diseases. Last evaluated: 2024-03-01. Review status: criteria provided, single submitter. Criteria: Ambry Variant Classification Scheme 2023. Collection method: clinical testing. Allele origin: germline.

Labcorp Genetics (formerly Invitae), Labcorp
Classification: Uncertain significance. Last evaluated: 2022-10-13. Review status: criteria provided, single submitter. Criteria: Invitae Variant Classification Sherloc (09022015). Collection method: clinical testing. Allele origin: germline.
Comment: This sequence change replaces glutamic acid, which is acidic and polar, with glutamine, which is neutral and polar, at codon 2094 of the MYO7A protein (p.Glu2094Gln). This variant is not present in population databases (gnomAD no frequency). This variant has not been reported in the literature in individuals affected with MYO7A-related conditions. ClinVar contains an entry for this variant (Variation ID: 1016427). Advanced modeling of protein sequence and biophysical properties (such as structural, functional, and spatial information, amino acid conservation, physicochemical variation, residue mobility, and thermodynamic stability) performed at Invitae indicates that this missense variant is not expected to disrupt MYO7A protein function. In summary, the available evidence is currently insufficient to determine the role of this variant in disease. Therefore, it has been classified as a Variant of Uncertain Significance.

Natera, Inc.
Classification: Uncertain significance for Usher syndrome type 1B. Last evaluated: 2021-07-14. Review status: no assertion criteria provided. Collection method: clinical testing. Allele origin: germline. Not counted in ClinVar's aggregate classification.

NM_000260.4(MYO7A):c.6280G>C (p.Glu2094Gln)

Gene: MYO7A (myosin VIIA; plus strand). Cytogenetic location: 11q13.5.
Variant type: single nucleotide variant.
Coding change: c.6280G>C on transcript NM_000260.4 (MANE Select); coding-DNA position 6280, G replaced by C.
Protein change: p.Glu2094Gln; replaces glutamic acid 2094 with glutamine.
Molecular consequence: missense variant.
Genome position (GRCh38, 1-based): chr11:77,211,863, G>C. VCF-style: chr11-77211863-G-C. GRCh37 (hg19) VCF-style: chr11-76922908-G-C.
Other names: c.6166G>C, p.Glu2056Gln (NM_001127180.2); c.6133G>C, p.Glu2045Gln (NM_001369365.1); c.6280G>C (NM_000260.3); short protein forms E2045Q, E2056Q, E2094Q.
Identifiers: ClinVar variation 1016427 (VCV001016427.8), dbSNP rs887599531, ClinGen allele CA224828465.